The following is an entry in ClinVar:

NM_000492.4(CFTR):c.586G>A (p.Ala196Thr)

Gene: CFTR (CF transmembrane conductance regulator; plus strand). Cytogenetic location: 7q31.2.
Variant type: single nucleotide variant.
Coding change: c.586G>A on transcript NM_000492.4 (MANE Select); coding-DNA position 586, G replaced by A.
Protein change: p.Ala196Thr; replaces alanine 196 with threonine.
Molecular consequence: missense variant.
Genome position (GRCh38, 1-based): chr7:117,535,254, G>A. VCF-style: chr7-117535254-G-A. GRCh37 (hg19) VCF-style: chr7-117175308-G-A.
Other names: short protein forms A196T.
Identifiers: ClinVar variation 1750182 (VCV001750182.2), dbSNP rs1798929667, ClinGen allele CA368976716.

ClinVar aggregate classification (germline): Uncertain significance (1 of 4 stars; one submission).

Conditions:
Cystic fibrosis (CF). Also called: MUCOVISCIDOSIS. Identifiers: Orphanet 586, MedGen C0010674, MONDO:0009061, OMIM 219700. Disease mechanism: loss of function.

gnomAD v4.1: 10 of 1,614,064 alleles (0.00062%); highest among the groups gnomAD compares: Non-Finnish European, 0.00076%; no homozygotes.

Submission:

Ambry Genetics
Classification: Uncertain significance for Cystic fibrosis. Last evaluated: 2021-11-22. Review status: criteria provided, single submitter. Criteria: Ambry Variant Classification Scheme 2023. Collection method: clinical testing. Allele origin: germline.
Comment: The p.A196T variant (also known as c.586G>A), located in coding exon 6 of the CFTR gene, results from a G to A substitution at nucleotide position 586. The alanine at codon 196 is replaced by threonine, an amino acid with similar properties. This amino acid position is conserved. In addition, the in silico prediction for this alteration is inconclusive. Since supporting evidence is limited at this time, the clinical significance of this alteration remains unclear.